The following is an entry in ClinVar:

ClinVar aggregate classification (germline): Uncertain significance. Review status: criteria provided, multiple submitters, no conflicts (2 of 4 stars). 2 submissions from 2 submitters: Uncertain significance (2). Last evaluated 2024-10-09.

Submissions (2):

Blueprint Genetics
Classification: Uncertain significance. Last evaluated: 2024-10-09. Review status: criteria provided, single submitter. Criteria: ACMG Guidelines, 2015. Collection method: clinical testing. Allele origin: germline.

Labcorp Genetics (formerly Invitae), Labcorp
Classification: Uncertain significance. Last evaluated: 2022-10-17. Review status: criteria provided, single submitter. Criteria: Invitae Variant Classification Sherloc (09022015). Collection method: clinical testing. Allele origin: germline.
Comment: This variant, c.2325_2330dup, results in the insertion of 2 amino acid(s) of the PDZD7 protein (p.Arg783_Ser784dup), but otherwise preserves the integrity of the reading frame. This variant is present in population databases (no rsID available, gnomAD 0.08%). This variant has not been reported in the literature in individuals affected with PDZD7-related conditions. ClinVar contains an entry for this variant (Variation ID: 935226). Experimental studies and prediction algorithms are not available or were not evaluated, and the functional significance of this variant is currently unknown. In summary, the available evidence is currently insufficient to determine the role of this variant in disease. Therefore, it has been classified as a Variant of Uncertain Significance.

NM_001195263.2(PDZD7):c.2325_2330dup (p.773RS[7])

Gene: PDZD7 (PDZ domain containing 7; minus strand). Cytogenetic location: 10q24.31.
Variant type: Duplication.
Coding change: c.2325_2330dup on transcript NM_001195263.2 (MANE Select); coding-DNA positions 2325 to 2330, 6 bases duplicated (CAGCCG; older notation c.2325_2330dupCAGCCG).
Protein change: p.773RS[7].
Molecular consequence: inframe insertion.
Genome position (GRCh38, 1-based): chr10:101,010,559-101,010,564, CGGCTG duplicated on the plus strand (CAGCCG on the coding strand, the reverse complement: PDZD7 is on the minus strand); duplicating any 6 consecutive bases within chr10:101,010,559-101,010,569 gives the same sequence; the c. name uses the placement nearest the transcript's 3' end. VCF-style (leftmost placement, unchanged base first): chr10-101010558-A-ACGGCTG. GRCh37 (hg19) VCF-style: chr10-102770315-A-ACGGCTG.
Identifiers: ClinVar variation 935226 (VCV000935226.8), dbSNP rs1491136099, ClinGen allele CA595644080.